The following is an entry in ClinVar:

NM_001318100.2(LZTS2):c.1302G>A (p.Pro434=)

Gene: LZTS2 (leucine zipper tumor suppressor 2; plus strand). Cytogenetic location: 10q24.31.
Variant type: single nucleotide variant.
Coding change: c.1302G>A on transcript NM_001318100.2 (MANE Select); coding-DNA position 1302, G replaced by A.
Protein change: p.Pro434=; no amino-acid change (proline 434 retained).
Molecular consequence: synonymous variant.
Genome position (GRCh38, 1-based): chr10:101,005,691, G>A. VCF-style: chr10-101005691-G-A. GRCh37 (hg19) VCF-style: chr10-102765448-G-A.
Other names: c.1302G>A, p.Pro434= (NM_001318099.2, NM_001394950.1, NM_001394951.1 and 2 more transcripts); c.642G>A, p.Pro214= (NM_001318101.2, NM_001394944.1, NM_001394945.1 and 4 more transcripts).
Identifiers: ClinVar variation 2640767 (VCV002640767.24), dbSNP rs144423222, ClinGen allele CA5653731.

ClinVar aggregate classification (germline): Likely benign (1 of 4 stars; one submission).

Allele frequency attached by ClinVar (database versions not stated): 1000 Genomes Project 30x 0.00016; 1000 Genomes Project 0.00020.
gnomAD v4.1: 408 of 1,587,992 alleles (0.026%); highest among the groups gnomAD compares: South Asian, 0.4%; 5 homozygotes.

Submission:

CeGaT Center for Human Genetics Tuebingen
Classification: Likely benign. Last evaluated: 2023-03-01. Review status: criteria provided, single submitter. Criteria: CeGaT Center For Human Genetics Tuebingen Variant Classification Criteria Version 2. Collection method: clinical testing. Allele origin: germline. Affected: yes. Observed: 1 variant allele.
Comment: LZTS2: BP4, BP7